The following is an entry in ClinVar:

ClinVar aggregate classification (germline): Uncertain significance (1 of 4 stars; one submission).

Conditions:
Glycogen storage disease IXa1. Also called: LIVER GLYCOGENOSIS, X-LINKED, TYPE I; GLYCOGEN STORAGE DISEASE VIII; GSD VIII; Glycogen storage disease 8. Identifiers: Orphanet 264580, MedGen C3694531, MONDO:0010598, OMIM 306000.

gnomAD v4.1: 35 of 1,176,244 alleles (0.003%); highest among the groups gnomAD compares: Non-Finnish European, 0.0035%; no homozygotes.

Submission:

Labcorp Genetics (formerly Invitae), Labcorp
Classification: Uncertain significance for Glycogen storage disease IXa1. Last evaluated: 2025-07-08. Review status: criteria provided, single submitter. Criteria: Invitae Variant Classification Sherloc (09022015). Collection method: clinical testing. Allele origin: germline.
Comment: This sequence change falls in intron 8 of the PHKA2 gene. It does not directly change the encoded amino acid sequence of the PHKA2 protein. This variant is present in population databases (rs780296845, gnomAD 0.01%). This variant has not been reported in the literature in individuals affected with PHKA2-related conditions. Algorithms developed to predict the effect of sequence changes on RNA splicing suggest that this variant may disrupt the consensus splice site. In summary, the available evidence is currently insufficient to determine the role of this variant in disease. Therefore, it has been classified as a Variant of Uncertain Significance.

NM_000292.3(PHKA2):c.865-11T>C

Gene: PHKA2 (phosphorylase kinase regulatory subunit alpha 2; minus strand). Cytogenetic location: Xp22.13.
Variant type: single nucleotide variant.
Coding change: c.865-11T>C on transcript NM_000292.3 (MANE Select); 11 bases into the intron before coding-DNA position 865, T replaced by C.
Molecular consequence: intron variant.
Genome position (GRCh38, 1-based): chrX:18,940,059, A>G on the plus strand (T>C on the coding strand, the complement: PHKA2 is on the minus strand). VCF-style: chrX-18940059-A-G. GRCh37 (hg19) VCF-style: chrX-18958177-A-G.
Other names: c.766-11T>C (NM_001440804.1, NM_001440803.1, NM_001440802.1); c.865-11T>C (NM_001440801.1, NM_001440800.1, NM_001440805.1).
Identifiers: ClinVar variation 4738439 (VCV004738439.1).